The following is an entry in ClinVar:

ClinVar aggregate classification (germline): Uncertain significance (1 of 4 stars; one submission).

Conditions:
Hereditary cancer-predisposing syndrome. Also called: Tumor predisposition; Neoplastic Syndromes, Hereditary; Hereditary Cancer Syndrome; Hereditary neoplastic syndrome. Identifiers: Orphanet 140162, MedGen C0027672, MeSH D009386, MONDO:0015356.

Submission:

Ambry Genetics
Classification: Uncertain significance for Hereditary cancer-predisposing syndrome. Last evaluated: 2025-03-07. Review status: criteria provided, single submitter. Criteria: Ambry Variant Classification Scheme 2023. Collection method: clinical testing. Allele origin: germline.
Comment: The p.I131M variant (also known as c.393C>G), located in coding exon 5 of the MAX gene, results from a C to G substitution at nucleotide position 393. The isoleucine at codon 131 is replaced by methionine, an amino acid with highly similar properties. This amino acid position is conserved. In addition, the in silico prediction for this alteration is inconclusive. Based on the available evidence, the clinical significance of this variant remains unclear.

NM_002382.5(MAX):c.393C>G (p.Ile131Met)

Gene: MAX (MYC associated transcriptional regulator X; minus strand). Cytogenetic location: 14q23.3.
Variant type: single nucleotide variant.
Coding change: c.393C>G on transcript NM_002382.5 (MANE Select); coding-DNA position 393, C replaced by G.
Protein change: p.Ile131Met; replaces isoleucine 131 with methionine.
Molecular consequence: missense variant. On other transcripts: 3 prime UTR variant (12), non-coding transcript variant (7), intron variant (2).
Genome position (GRCh38, 1-based): chr14:65,076,566, G>C on the plus strand (C>G on the coding strand, the complement: MAX is on the minus strand). VCF-style: chr14-65076566-G-C. GRCh37 (hg19) VCF-style: chr14-65543284-G-C.
Other names: c.204C>G, p.Ile68Met (NM_001320415.2, NM_001407105.1, NM_001407106.1 and 1 more transcripts); c.393C>G, p.Ile131Met (NM_001407094.1); c.366C>G, p.Ile122Met (NM_001407095.1, NM_145112.3); c.*166C>G (NM_001407096.1, NM_001407099.1, NM_001407102.1 and 2 more transcripts); c.*182C>G (NM_001407097.1, NM_001407100.1, NM_001407101.1 and 4 more transcripts); c.285C>G, p.Ile95Met (NM_001407098.1); c.192C>G, p.Ile64Met (NM_001407111.1, NM_001407112.1); c.144+17142C>G (NM_001271069.2); and 1 more; short protein forms I122M, I131M, I95M, I68M, I64M.
Identifiers: ClinVar variation 3870810 (VCV003870810.1).
Genomic context (GRCh38, chr14:65,076,566, plus strand): 5'-GCTTTGGGGCTCTTCAGGCTCAGACTCCGAGCTGGAGTCCGAGCCCCCATCGAAGGCAGA[G>C]ATGGTGCTGCCCTTGGCGTTGGTGTAGAGGCTGTTGTCTGAGGAGGGGTAGTTGGTCTGC-3'
Protein context (NP_002373.3, residues 121-141): SLYTNAKGST[Ile131Met]SAFDGGSDSS